The following is an entry in ClinVar:

ClinVar aggregate classification (germline): Conflicting classifications of pathogenicity. Review status: criteria provided, conflicting classifications (1 of 4 stars). 4 submissions from 4 submitters: Uncertain significance (3); Likely benign (1). Last evaluated 2025-05-21.

Conditions:
Familial prostate cancer. Also called: Hereditary Prostate Cancer. Identifiers: MedGen C2931456, MONDO:0700275, OMIM 176807.
Familial cancer of breast. Also called: hereditary breast carcinoma; BREAST CANCER, FAMILIAL; Hereditary breast cancer. Identifiers: Orphanet 227535, MedGen C0346153, MONDO:0016419, OMIM 114480. Disease mechanism: loss of function.
Breast-ovarian cancer, familial, susceptibility to, 2 (BROVCA2). Also called: BRCA2 Hereditary Breast and Ovarian Cancer. Identifiers: Orphanet 145, MedGen C2675520, MONDO:0012933, OMIM 612555. Disease mechanism: loss of function.
Medulloblastoma (MDB). Also called: Medulloblastoma, somatic; MEDULLOBLASTOMA PREDISPOSITION SYNDROME. Identifiers: Orphanet 616, MedGen C0025149, MeSH D008527, MONDO:0007959, OMIM 155255, HP:0002885.
Wilms tumor 1 (WT1). Also called: Wilms tumor, somatic. Identifiers: Orphanet 654, MedGen CN033288, MONDO:0008679, OMIM 194070.
Pancreatic cancer, susceptibility to, 2. Identifiers: Orphanet 1333, MedGen C3150546, MONDO:0013235, OMIM 613347.
Glioma susceptibility 3 (GLM3). Also called: Glioblastoma 3. Identifiers: Orphanet 182067, Orphanet 360, MedGen C2751641, MONDO:0013093, OMIM 613029.
Fanconi anemia complementation group D1. Also called: BRCA2-Related Fanconi Anemia. Identifiers: Orphanet 319462, MedGen C1838457, MONDO:0011584, OMIM 605724.
Hereditary cancer-predisposing syndrome. Also called: Hereditary Cancer Syndrome; Tumor predisposition; Neoplastic Syndromes, Hereditary; Hereditary neoplastic syndrome. Identifiers: Orphanet 140162, MedGen C0027672, MeSH D009386, MONDO:0015356.
Hereditary breast ovarian cancer syndrome. Also called: Breast and ovarian cancer; Hereditary breast and ovarian cancer syndrome; BRCA1- and BRCA2-Associated Hereditary Breast and Ovarian Cancer; Hereditary breast and ovarian cancer syndrome (HBOC); Hereditary breast and/or ovarian cancer syndrome; Hereditary breast and ovarian cancer. Identifiers: Orphanet 145, MedGen C0677776, MeSH D061325, MONDO:0003582. Disease mechanism: loss of function.

Submissions (4):

Labcorp Genetics (formerly Invitae), Labcorp
Classification: Uncertain significance for Hereditary breast ovarian cancer syndrome. Last evaluated: 2025-05-21. Review status: criteria provided, single submitter. Criteria: Invitae Variant Classification Sherloc (09022015). Collection method: clinical testing. Allele origin: germline.
Comment: This sequence change replaces alanine, which is neutral and non-polar, with threonine, which is neutral and polar, at codon 2632 of the BRCA2 protein (p.Ala2632Thr). This variant is not present in population databases (gnomAD no frequency). This missense change has been observed in individual(s) with pancreatic cancer (PMID: 33127389). ClinVar contains an entry for this variant (Variation ID: 439006). Invitae Evidence Modeling incorporating data from in vitro experimental studies (PMID: 33609447) indicates that this missense variant is not expected to disrupt BRCA2 function with a negative predictive value of 95%. In summary, the available evidence is currently insufficient to determine the role of this variant in disease. Therefore, it has been classified as a Variant of Uncertain Significance.

Ambry Genetics
Classification: Likely benign for Hereditary cancer-predisposing syndrome. Last evaluated: 2025-05-19. Review status: criteria provided, single submitter. Criteria: Ambry Variant Classification Scheme 2023. Collection method: clinical testing. Allele origin: germline.

Fulgent Genetics
Classification: Uncertain significance for Familial cancer of breast; Medulloblastoma; Familial prostate cancer; Wilms tumor 1; Fanconi anemia complementation group D1; Breast-ovarian cancer, familial, susceptibility to, 2; Glioma susceptibility 3; Pancreatic cancer, susceptibility to, 2. Last evaluated: 2024-03-26. Review status: criteria provided, single submitter. Criteria: ACMG Guidelines, 2015. Collection method: clinical testing. Allele origin: germline.

Quest Diagnostics Nichols Institute San Juan Capistrano
Classification: Uncertain significance. Last evaluated: 2023-10-16. Review status: criteria provided, single submitter. Criteria: Quest Diagnostics criteria. Collection method: clinical testing. Allele origin: unknown.
Comment: The BRCA2 c.7894G>A (p.Ala2632Thr) variant has not been reported as a germline variant in individuals with BRCA2-related conditions in the published literature. In a large-scale breast cancer association study, the variant was observed in an unaffected individual and not among the breast cancer cases (PMID: 33471991 (2021), see also LOVD). It also has not been reported in large, multi-ethnic general populations (Genome Aggregation Database). Analysis of this variant using bioinformatics tools for the prediction of the effect of amino acid changes on protein structure and function yielded predictions that this variant is damaging. Based on the available information, we are unable to determine the clinical significance of this variant.

Literature cited by the submitters: PubMed 33127389 (cited by Labcorp Genetics (formerly Invitae), Labcorp and Quest Diagnostics Nichols Institute San Juan Capistrano); PubMed 33609447 (cited by Labcorp Genetics (formerly Invitae), Labcorp); PubMed 25348012 (cited by Quest Diagnostics Nichols Institute San Juan Capistrano); PubMed 33471991 (cited by Quest Diagnostics Nichols Institute San Juan Capistrano); PubMed 36404616 (cited by Quest Diagnostics Nichols Institute San Juan Capistrano).

NM_000059.4(BRCA2):c.7894G>A (p.Ala2632Thr)

Gene: BRCA2 (BRCA2 DNA repair associated; plus strand). Cytogenetic location: 13q13.1.
Variant type: single nucleotide variant.
Coding change: c.7894G>A on transcript NM_000059.4 (MANE Select); coding-DNA position 7894, G replaced by A.
Protein change: p.Ala2632Thr; replaces alanine 2632 with threonine.
Molecular consequence: missense variant.
Genome position (GRCh38, 1-based): chr13:32,362,611, G>A. VCF-style: chr13-32362611-G-A. GRCh37 (hg19) VCF-style: chr13-32936748-G-A.
Other names: short protein forms A2632T.
Identifiers: ClinVar variation 439006 (VCV000439006.12), dbSNP rs1555286844, ClinGen allele CA387747133.
Genomic context (GRCh38, chr13:32,362,611, plus strand): 5'-CCAAAGCTTATTTCTAGAATTTGGGTTTATAATCACTATAGATGGATCATATGGAAACTG[G>A]CAGCTATGGAATGTGCCTTTCCTAAGGAATTTGCTAATAGATGCCTAAGCCCAGAAAGGG-3'
Protein context (NP_000050.3, residues 2622-2642): NHYRWIIWKL[Ala2632Thr]AMECAFPKEF